The following is an entry in ClinVar:

ClinVar aggregate classification (germline): Uncertain significance (1 of 4 stars; one submission).

Conditions:
Familial adenomatous polyposis 1 (FAP1). Also called: POLYPOSIS, ADENOMATOUS INTESTINAL; FAMILIAL ADENOMATOUS POLYPOSIS 1, ATTENUATED. Identifiers: MedGen C2713442, MONDO:0021056, OMIM 175100. Disease mechanism: loss of function.

Submission:

Labcorp Genetics (formerly Invitae), Labcorp
Classification: Uncertain significance for Familial adenomatous polyposis 1. Last evaluated: 2023-12-23. Review status: criteria provided, single submitter. Criteria: Invitae Variant Classification Sherloc (09022015). Collection method: clinical testing. Allele origin: germline.
Comment: This sequence change replaces threonine, which is neutral and polar, with serine, which is neutral and polar, at codon 1112 of the APC protein (p.Thr1112Ser). This variant is not present in population databases (gnomAD no frequency). This variant has not been reported in the literature in individuals affected with APC-related conditions. Advanced modeling of protein sequence and biophysical properties (such as structural, functional, and spatial information, amino acid conservation, physicochemical variation, residue mobility, and thermodynamic stability) performed at Invitae indicates that this missense variant is not expected to disrupt APC protein function with a negative predictive value of 95%. In summary, the available evidence is currently insufficient to determine the role of this variant in disease. Therefore, it has been classified as a Variant of Uncertain Significance.

NM_000038.6(APC):c.3334A>T (p.Thr1112Ser)

Gene: APC (APC regulator of Wnt signaling pathway; plus strand). Cytogenetic location: 5q22.2.
Variant type: single nucleotide variant.
Coding change: c.3334A>T on transcript NM_000038.6 (MANE Select); coding-DNA position 3334, A replaced by T.
Protein change: p.Thr1112Ser; replaces threonine 1112 with serine.
Molecular consequence: missense variant. On other transcripts: non-coding transcript variant (2).
Genome position (GRCh38, 1-based): chr5:112,838,928, A>T. VCF-style: chr5-112838928-A-T. GRCh37 (hg19) VCF-style: chr5-112174625-A-T.
Other names: c.3334A>T, p.Thr1112Ser (NM_001127510.3, NM_001354895.2, NM_001407450.1); c.3280A>T, p.Thr1094Ser (NM_001127511.3); c.3388A>T, p.Thr1130Ser (NM_001354896.2, NM_001407447.1, NM_001407448.1 and 1 more transcripts); c.3364A>T, p.Thr1122Ser (NM_001354897.2); c.3259A>T, p.Thr1087Ser (NM_001354898.2); c.3250A>T, p.Thr1084Ser (NM_001354899.2); c.3211A>T, p.Thr1071Ser (NM_001354900.2); c.3157A>T, p.Thr1053Ser (NM_001354901.2, NM_001407453.1); and 11 more; short protein forms T1071S, T1084S, T1102S, T1112S, T952S, T1011S, T1094S, T1105S.
Identifiers: ClinVar variation 2705140 (VCV002705140.2), dbSNP rs759718547, ClinGen allele CA16028644.